The following is an entry in ClinVar:

NM_002582.4(PARN):c.1358C>A (p.Pro453His)

Gene: PARN (poly(A)-specific ribonuclease; minus strand). Cytogenetic location: 16p13.12.
Variant type: single nucleotide variant.
Coding change: c.1358C>A on transcript NM_002582.4 (MANE Select); coding-DNA position 1358, C replaced by A.
Protein change: p.Pro453His; replaces proline 453 with histidine.
Molecular consequence: missense variant.
Genome position (GRCh38, 1-based): chr16:14,554,112, G>T on the plus strand (C>A on the coding strand, the complement: PARN is on the minus strand). VCF-style: chr16-14554112-G-T. GRCh37 (hg19) VCF-style: chr16-14647969-G-T.
Other names: c.1175C>A, p.Pro392His (NM_001134477.3); c.1220C>A, p.Pro407His (NM_001242992.2); short protein forms P407H, P453H, P392H.
Identifiers: ClinVar variation 946685 (VCV000946685.10), dbSNP rs1967502478, ClinGen allele CA394811944.
Genomic context (GRCh38, chr16:14,554,112, plus strand): 5'-ACTTGCGACTTACCAAAGGCACTGAAAAGCTGGTAAAGGTCGCTGGTTTTCCATTCTTTG[G>T]GGAATGTCACATGGAGAACATGATCACGTTTAGGCTGCACTACAAGACAAATTTATGATG-3'
Protein context (NP_002573.1, residues 443-463): KRDHVLHVTF[Pro453His]KEWKTSDLYQ

ClinVar aggregate classification (germline): Uncertain significance (1 of 4 stars; one submission).

Conditions:
Dyskeratosis congenita, autosomal recessive 6 (DKCB6). Identifiers: MedGen C4225356, MONDO:0014600, OMIM 616353.
Pulmonary fibrosis and/or bone marrow failure, Telomere-related, 4. Also called: PULMONARY FIBROSIS AND/OR BONE MARROW FAILURE SYNDROME, TELOMERE-RELATED, 4. Identifiers: Orphanet 2032, MedGen C4225347, MONDO:0014612, OMIM 616371.

Submission:

Labcorp Genetics (formerly Invitae), Labcorp
Classification: Uncertain significance for Dyskeratosis congenita, autosomal recessive 6; Pulmonary fibrosis and/or bone marrow failure, Telomere-related, 4. Last evaluated: 2019-04-09. Review status: criteria provided, single submitter. Criteria: Invitae Variant Classification Sherloc (09022015). Collection method: clinical testing. Allele origin: germline.
Comment: In summary, the available evidence is currently insufficient to determine the role of this variant in disease. Therefore, it has been classified as a Variant of Uncertain Significance. Algorithms developed to predict the effect of missense changes on protein structure and function are either unavailable or do not agree on the potential impact of this missense change (SIFT: "Deleterious"; PolyPhen-2: "Probably Damaging"; Align-GVGD: "Class C0"). This variant has not been reported in the literature in individuals with PARN-related conditions. This variant is not present in population databases (ExAC no frequency). This sequence change replaces proline with histidine at codon 453 of the PARN protein (p.Pro453His). The proline residue is highly conserved and there is a moderate physicochemical difference between proline and histidine.